The following is an entry in ClinVar:

NM_020937.4(FANCM):c.142G>A (p.Ala48Thr)

Gene: FANCM (FA complementation group M; plus strand). Cytogenetic location: 14q21.2.
Variant type: single nucleotide variant.
Coding change: c.142G>A on transcript NM_020937.4 (MANE Select); coding-DNA position 142, G replaced by A.
Protein change: p.Ala48Thr; replaces alanine 48 with threonine.
Molecular consequence: missense variant.
Genome position (GRCh38, 1-based): chr14:45,136,173, G>A. VCF-style: chr14-45136173-G-A. GRCh37 (hg19) VCF-style: chr14-45605376-G-A.
Other names: c.142G>A, p.Ala48Thr (NM_001308133.2, NM_001308134.2); short protein forms A48T.
Identifiers: ClinVar variation 4871148 (VCV004871148.1).
Genomic context (GRCh38, chr14:45,136,173, plus strand): 5'-GGAACTGAGCGACCTCAGAGCCCTGGCAGCTCCAAGGCGCCTTTGCCAGCAGCAGCGGAG[G>A]CTCAGCTGGAGTCGGACGATGATGTGTTGCTTGTCGCGGCGTACGAGGCTGAGCGGCAGT-3'
Protein context (NP_065988.1, residues 38-58): SKAPLPAAAE[Ala48Thr]QLESDDDVLL

ClinVar aggregate classification (germline): Uncertain significance (1 of 4 stars; one submission).

Conditions:
Inborn genetic diseases. Identifiers: MedGen C0950123, MeSH D030342.

gnomAD v4.1: 2 of 1,614,188 alleles (0.00012%); highest among the groups gnomAD compares: South Asian, 0.0022%; no homozygotes.

Submission:

Ambry Genetics
Classification: Uncertain significance for Inborn genetic diseases. Last evaluated: 2026-05-17. Review status: criteria provided, single submitter. Criteria: Ambry Variant Classification Scheme 2023. Collection method: clinical testing. Allele origin: germline.
Comment: The p.A48T variant (also known as c.142G>A), located in coding exon 1 of the FANCM gene, results from a G to A substitution at nucleotide position 142. The alanine at codon 48 is replaced by threonine, an amino acid with similar properties. This amino acid position is conserved. In addition, this alteration is predicted to be tolerated by in silico analysis. Based on the available evidence, the clinical significance of this variant remains unclear.